The following is an entry in ClinVar:

ClinVar aggregate classification (germline): Uncertain significance (1 of 4 stars; one submission).

gnomAD v4.1: 2 of 1,614,014 alleles (0.00012%); highest among the groups gnomAD compares: Non-Finnish European, 0.000085%; no homozygotes.

Submission:

Labcorp Genetics (formerly Invitae), Labcorp
Classification: Uncertain significance. Last evaluated: 2024-04-22. Review status: criteria provided, single submitter. Criteria: Invitae Variant Classification Sherloc (09022015). Collection method: clinical testing. Allele origin: germline.
Comment: This sequence change replaces tryptophan, which is neutral and slightly polar, with glycine, which is neutral and non-polar, at codon 207 of the TGFB1 protein (p.Trp207Gly). This variant is not present in population databases (gnomAD no frequency). This variant has not been reported in the literature in individuals affected with TGFB1-related conditions. Advanced modeling of protein sequence and biophysical properties (such as structural, functional, and spatial information, amino acid conservation, physicochemical variation, residue mobility, and thermodynamic stability) performed at Invitae indicates that this missense variant is not expected to disrupt TGFB1 protein function with a negative predictive value of 80%. In summary, the available evidence is currently insufficient to determine the role of this variant in disease. Therefore, it has been classified as a Variant of Uncertain Significance.

NM_000660.7(TGFB1):c.619T>G (p.Trp207Gly)

Gene: TGFB1 (transforming growth factor beta 1; minus strand). Cytogenetic location: 19q13.2.
Variant type: single nucleotide variant.
Coding change: c.619T>G on transcript NM_000660.7 (MANE Select); coding-DNA position 619, T replaced by G.
Protein change: p.Trp207Gly; replaces tryptophan 207 with glycine.
Molecular consequence: missense variant.
Genome position (GRCh38, 1-based): chr19:41,344,762, A>C on the plus strand (T>G on the coding strand, the complement: TGFB1 is on the minus strand). VCF-style: chr19-41344762-A-C. GRCh37 (hg19) VCF-style: chr19-41850667-A-C.
Other names: short protein forms W207G.
Identifiers: ClinVar variation 3619556 (VCV003619556.2).